The following is an entry in ClinVar:

NM_182961.4(SYNE1):c.11496A>G (p.Ile3832Met)

Gene: SYNE1 (spectrin repeat containing nuclear envelope protein 1; minus strand). Cytogenetic location: 6q25.2.
Variant type: single nucleotide variant.
Coding change: c.11496A>G on transcript NM_182961.4 (MANE Select); coding-DNA position 11496, A replaced by G.
Protein change: p.Ile3832Met; replaces isoleucine 3832 with methionine.
Molecular consequence: missense variant.
Genome position (GRCh38, 1-based): chr6:152,352,111, T>C on the plus strand (A>G on the coding strand, the complement: SYNE1 is on the minus strand). VCF-style: chr6-152352111-T-C. GRCh37 (hg19) VCF-style: chr6-152673246-T-C.
Other names: c.11451A>G, p.Ile3817Met (NM_033071.5); short protein forms I3817M, I3832M.
Identifiers: ClinVar variation 448544 (VCV000448544.6), dbSNP rs1554518035, ClinGen allele CA366119726.

ClinVar aggregate classification (germline): Uncertain significance. Review status: criteria provided, multiple submitters, no conflicts (2 of 4 stars). 2 submissions from 2 submitters: Uncertain significance (2). Last evaluated 2026-01-19.

Conditions:
Emery-Dreifuss muscular dystrophy 4, autosomal dominant (EDMD4). Also called: EMERY-DREIFUSS MUSCULAR DYSTROPHY 4 WITH VARIABLE FEATURES. Identifiers: Orphanet 261, MedGen C2751807, MONDO:0013071, OMIM 612998.
Autosomal recessive ataxia, Beauce type. Also called: Spinocerebellar ataxia, autosomal recessive 8; ATAXIA, RECESSIVE, OF BEAUCE; SYNE1-Related Autosomal Recessive Cerebellar Ataxia; SYNE1 Deficiency. Identifiers: Orphanet 88644, MedGen C1853116, MONDO:0012549, OMIM 610743.

Allele frequency attached by ClinVar (database versions not stated): gnomAD 0.00001; gnomAD exomes 0.00001; TOPMed 0.00002.
gnomAD v4.1: 13 of 1,614,138 alleles (0.00081%); highest among the groups gnomAD compares: Non-Finnish European, 0.001%; no homozygotes.

Submissions (2):

Labcorp Genetics (formerly Invitae), Labcorp
Classification: Uncertain significance for Emery-Dreifuss muscular dystrophy 4, autosomal dominant; Autosomal recessive ataxia, Beauce type. Last evaluated: 2026-01-19. Review status: criteria provided, single submitter. Criteria: Invitae Variant Classification Sherloc (09022015). Collection method: clinical testing. Allele origin: germline.
Comment: This sequence change replaces isoleucine, which is neutral and non-polar, with methionine, which is neutral and non-polar, at codon 3817 of the SYNE1 protein (p.Ile3817Met). This variant is not present in population databases (gnomAD no frequency). This variant has not been reported in the literature in individuals affected with SYNE1-related conditions. ClinVar contains an entry for this variant (Variation ID: 448544). An algorithm developed to predict the effect of missense changes on protein structure and function outputs the following: PolyPhen-2: "Benign". The methionine amino acid residue is found in multiple mammalian species, which suggests that this missense change does not adversely affect protein function. In summary, the available evidence is currently insufficient to determine the role of this variant in disease. Therefore, it has been classified as a Variant of Uncertain Significance.

Athena Diagnostics
Classification: Uncertain significance. Last evaluated: 2016-11-14. Review status: criteria provided, single submitter. Criteria: Athena Diagnostics Criteria. Collection method: clinical testing. Allele origin: germline.